The following is an entry in ClinVar:

NM_000400.4(ERCC2):c.[1381C>G;2150C>G]

Variant type: Haplotype.
Identifiers: ClinVar variation 2429148 (VCV002429148.10).

ClinVar aggregate classification (germline): Pathogenic (1 of 4 stars; one submission).

Conditions:
Xeroderma pigmentosum (XP). Identifiers: Orphanet 910, MedGen C0043346, MONDO:0019600.

Submission:

Women's Health and Genetics/Laboratory Corporation of America, LabCorp
Classification: Pathogenic for Xeroderma pigmentosum. Last evaluated: 2023-01-04. Review status: criteria provided, single submitter. Criteria: LabCorp Variant Classification Summary - May 2015. Collection method: clinical testing. Allele origin: germline.
Comment: Variant summary: ERCC2 c.[1381C>G;2150C>G] (p.[Leu461Val;Ala717Gly]) variant is a complex allele and involves the alteration of multiple nucleotides. These two variants have always been reported in cis in the literature. At least one publication reports experimental evidence that this complex allele variant affects mRNA splicing, although the evidence is primarily driven by the component c.2150C>G. Several computational tools predict a significant impact on normal splicing: Four predict the c.2150C>G strengthens a cryptic exonic 5' splicing donor site. At least one publication reports experimental evidence that this variant affects mRNA splicing resulting in splicing-out of the last 45 bases of exon 22 resulting in r.[1381c>g;2146_2190del], which is translated into p.[L461V;V716_R730del] (Horibata_2015). Based on the frequency of c.2150C>G, this complex allele variant allele was found at a frequency not to exceed 0.00031 in 251244 control chromosomes. This frequency is not significantly higher than estimated for a pathogenic variant in ERCC2 causing Xeroderma Pigmentosum/Trichothiodystrophy (0.00031 vs 0.00061), allowing no conclusion about variant significance. c.[1381C>G;2150C>G] has been reported in the literature always a complex allele in compound heterozygous genotypes with other pathogenic alleles in multiple individuals with features of Xeroderma Pigmentosum and Trichothiodystrophy (example, Takayama_1996, Moslehi_2012, Fujimoto_2005, Zhou_2013, Fassihi_2016, Horibata_2015). This complex allele has also been reported in individuals with various cancers, although these findings have not been ascertained in the context of this evaluation. These data indicate that the variant in its complex allele configuration is very likely to be associated with disease. At least one publication reports experimental evidence evaluating an impact of the complex allele on protein function (example, Horibata_2015). The most pronounced variant effect abolishes the helicase, Nucleotide Excision Repair (NER) activity and the transcriptional activity of TFIIH. However, although individually, p.Leu461Val and p.Ala717Gly possessed full NER activity (comparable to p.WT), the combined mutant p.[Leu461Val; Ala717Gly] possessed only partial NER activity. No clinical diagnostic laboratories have submitted clinical-significance assessments for this complex allele variant to ClinVar after 2014. Based on the evidence outlined above, this complex allele variant was classified as pathogenic.

Literature cited by the submitters: PubMed 26884178; PubMed 9238033; PubMed 8571952; PubMed 23232694; PubMed 22234153; PubMed 15982307; PubMed 25716912; PubMed 7585650.